The following is an entry in ClinVar:

NM_016816.4(OAS1):c.1168C>T (p.Gln390Ter)

Gene: OAS1 (2'-5'-oligoadenylate synthetase 1; plus strand). Cytogenetic location: 12q24.13.
Variant type: single nucleotide variant.
Coding change: c.1168C>T on transcript NM_016816.4 (MANE Select); coding-DNA position 1168, C replaced by T.
Protein change: p.Gln390Ter; replaces glutamine 390 with a stop codon.
Molecular consequence: nonsense. On other transcripts: intron variant (2), missense variant (3), 3 prime UTR variant (5), non-coding transcript variant (9).
Genome position (GRCh38, 1-based): chr12:112,919,518, C>T. VCF-style: chr12-112919518-C-T. GRCh37 (hg19) VCF-style: chr12-113357323-C-T.
Other names: c.1038+1818C>T (NM_001320151.2); c.1014+1818C>T (NM_001406025.1); c.1070C>T, p.Thr357Ile (NM_001032409.3); c.1046C>T, p.Thr349Ile (NM_001406020.1); c.1144C>T, p.Gln382Ter (NM_001406021.1); c.*805C>T (NM_001406022.1, NM_001406023.1, NM_001406029.1); c.*1761C>T (NM_001406024.1, NM_001406030.1); c.596C>T, p.Thr199Ile (NM_001406026.1); and 1 more; short protein forms Q232*, T357I, T349I, T199I, Q382*, Q390*.
Identifiers: ClinVar variation 4775585 (VCV004775585.1).

ClinVar aggregate classification (germline): Uncertain significance (1 of 4 stars; one submission).

gnomAD v4.1: 15 of 1,614,138 alleles (0.00093%); highest among the groups gnomAD compares: South Asian, 0.016%; no homozygotes.

Submission:

Labcorp Genetics (formerly Invitae), Labcorp
Classification: Uncertain significance. Last evaluated: 2026-02-01. Review status: criteria provided, single submitter. Criteria: Invitae Variant Classification Sherloc (09022015). Collection method: clinical testing. Allele origin: germline.
Comment: This sequence change creates a premature translational stop signal (p.Gln390*) in the OAS1 gene. While this is not anticipated to result in nonsense mediated decay, it is expected to disrupt the last 11 amino acid(s) of the OAS1 protein. This variant is present in population databases (rs768389086, gnomAD 0.01%). This variant has not been reported in the literature in individuals affected with OAS1-related conditions. In summary, the available evidence is currently insufficient to determine the role of this variant in disease. Therefore, it has been classified as a Variant of Uncertain Significance.